The following is an entry in ClinVar:

NM_177965.4(CFAP418):c.389T>C (p.Leu130Pro)

Gene: CFAP418 (cilia and flagella associated protein 418; minus strand). Cytogenetic location: 8q22.1.
Variant type: single nucleotide variant.
Coding change: c.389T>C on transcript NM_177965.4 (MANE Select); coding-DNA position 389, T replaced by C.
Protein change: p.Leu130Pro; replaces leucine 130 with proline.
Molecular consequence: missense variant. On other transcripts: intron variant (1).
Genome position (GRCh38, 1-based): chr8:95,252,269, A>G on the plus strand (T>C on the coding strand, the complement: CFAP418 is on the minus strand). VCF-style: chr8-95252269-A-G. GRCh37 (hg19) VCF-style: chr8-96264497-A-G.
Other names: c.375-4499T>C (NM_001363260.1); short protein forms L130P.
Identifiers: ClinVar variation 3344176 (VCV003344176.1).
Genomic context (GRCh38, chr8:95,252,269, plus strand): 5'-GATTTGTCCCACATATAGTCATCATAGCTGACTACCAAGAAATCACAGGCTATACAACGC[A>G]GATGGTCACATGCTCTGTTCAGAGAAAAAAAATTGTATATTAAAGATTATTGGTATCTTT-3'
Protein context (NP_808880.1, residues 120-140): TNISWRACDH[Leu130Pro]RCIACDFLVV

ClinVar aggregate classification (germline): Uncertain significance (0 of 4 stars; one submission).

Conditions:
CFAP418-related disorder. Also called: CFAP418-related condition.

Submission:

PreventionGenetics, part of Exact Sciences
Classification: Uncertain significance for CFAP418-related condition. Last evaluated: 2024-06-19. Review status: no assertion criteria provided. Collection method: clinical testing. Allele origin: germline.
Comment: The CFAP418 c.389T>C variant is predicted to result in the amino acid substitution p.Leu130Pro. To our knowledge, this variant has not been reported in the literature or in a large population database, indicating this variant is rare. At this time, the clinical significance of this variant is uncertain due to the absence of conclusive functional and genetic evidence.